The following is an entry in ClinVar:

NM_001273.5(CHD4):c.3530G>A (p.Arg1177His)

Gene: CHD4 (chromodomain helicase DNA binding protein 4; minus strand). Cytogenetic location: 12p13.31.
Variant type: single nucleotide variant.
Coding change: c.3530G>A on transcript NM_001273.5 (MANE Select); coding-DNA position 3530, G replaced by A.
Protein change: p.Arg1177His; replaces arginine 1177 with histidine.
Molecular consequence: missense variant.
Genome position (GRCh38, 1-based): chr12:6,587,885, C>T on the plus strand (G>A on the coding strand, the complement: CHD4 is on the minus strand). VCF-style: chr12-6587885-C-T. GRCh37 (hg19) VCF-style: chr12-6697051-C-T.
Other names: c.3509G>A, p.Arg1170His (NM_001297553.2); c.3491G>A, p.Arg1164His (NM_001363606.2); short protein forms R1164H, R1170H, R1177H.
Identifiers: ClinVar variation 1693104 (VCV001693104.24), dbSNP rs2136209181, ClinGen allele CA383582033.
Genomic context (GRCh38, chr12:6,587,885, plus strand): 5'-AGATGCGTCAGCATCATTTTCTTCTTTGCCACCTGCGTGATGCGCTCCTCCACTGACGCA[C>T]GGGTCACAAACCGGTAGATCATTACCTTTTTATTTTGCCCAATCCGGTGAGCTCTGCTAA-3'
Protein context (NP_001264.2, residues 1167-1187): KKVMIYRFVT[Arg1177His]ASVEERITQV

ClinVar aggregate classification (germline): Pathogenic/Likely pathogenic. Review status: criteria provided, multiple submitters, no conflicts (2 of 4 stars). 2 submissions from 2 submitters: Pathogenic (1); Likely pathogenic (1). Last evaluated 2023-12-01.

Submissions (2):

CeGaT Center for Human Genetics Tuebingen
Classification: Likely pathogenic. Last evaluated: 2023-12-01. Review status: criteria provided, single submitter. Criteria: CeGaT Center For Human Genetics Tuebingen Variant Classification Criteria Version 2. Collection method: clinical testing. Allele origin: germline. Affected: yes. Observed: 1 variant allele.
Comment: CHD4: PM1, PM2, PM5, PP2

GeneDx
Classification: Pathogenic. Last evaluated: 2022-06-21. Review status: criteria provided, single submitter. Criteria: GeneDx Variant Classification Process June 2021. Collection method: clinical testing. Allele origin: germline. Affected: yes.
Comment: Not observed at significant frequency in large population cohorts (gnomAD); In silico analysis supports that this missense variant has a deleterious effect on protein structure/function; Has not been previously reported as a pathogenic or benign germline variant to our knowledge; This variant is associated with the following publications: (PMID: 28513614)